The following is an entry in ClinVar:

ClinVar aggregate classification (germline): Conflicting classifications of pathogenicity. Review status: criteria provided, conflicting classifications (1 of 4 stars). 2 submissions from 2 submitters: Uncertain significance (1); Benign (1). Last evaluated 2025-09-09.

Conditions:
Hereditary cancer-predisposing syndrome. Also called: Tumor predisposition; Hereditary Cancer Syndrome; Neoplastic Syndromes, Hereditary; Hereditary neoplastic syndrome. Identifiers: Orphanet 140162, MedGen C0027672, MeSH D009386, MONDO:0015356.
Familial adenomatous polyposis 2. Also called: MYH-associated polyposis; FAP type 2; ADENOMAS, MULTIPLE COLORECTAL, AUTOSOMAL RECESSIVE; MUTYH Polyposis; MUTYH-associated polyposis; MUTYH-related attenuated familial adenomatous polyposis. Identifiers: Orphanet 220460, Orphanet 247798, MedGen C3272841, MONDO:0012041, OMIM 608456.

Allele frequency attached by ClinVar (database versions not stated): TOPMed below 0.00001.

Submissions (2):

Ambry Genetics
Classification: Benign for Hereditary cancer-predisposing syndrome. Last evaluated: 2025-09-09. Review status: criteria provided, single submitter. Criteria: Ambry Variant Classification Scheme 2023. Collection method: clinical testing. Allele origin: germline.

Labcorp Genetics (formerly Invitae), Labcorp
Classification: Uncertain significance for Familial adenomatous polyposis 2. Last evaluated: 2025-05-05. Review status: criteria provided, single submitter. Criteria: Invitae Variant Classification Sherloc (09022015). Collection method: clinical testing. Allele origin: germline.
Comment: This sequence change replaces alanine, which is neutral and non-polar, with threonine, which is neutral and polar, at codon 50 of the MUTYH protein (p.Ala50Thr). This variant is not present in population databases (gnomAD no frequency). This variant has not been reported in the literature in individuals affected with MUTYH-related conditions. ClinVar contains an entry for this variant (Variation ID: 233557). An algorithm developed to predict the effect of missense changes on protein structure and function outputs the following: PolyPhen-2: "Benign". The threonine amino acid residue is found in multiple mammalian species, which suggests that this missense change does not adversely affect protein function. In summary, the available evidence is currently insufficient to determine the role of this variant in disease. Therefore, it has been classified as a Variant of Uncertain Significance.

NM_001048174.2(MUTYH):c.106G>A (p.Ala36Thr)

Gene: MUTYH (mutY DNA glycosylase; minus strand). Cytogenetic location: 1p34.1.
Variant type: single nucleotide variant.
Coding change: c.106G>A on transcript NM_001048174.2 (MANE Select); coding-DNA position 106, G replaced by A.
Protein change: p.Ala36Thr; replaces alanine 36 with threonine.
Molecular consequence: missense variant. On other transcripts: 5 prime UTR variant (4), non-coding transcript variant (2).
Genome position (GRCh38, 1-based): chr1:45,334,400, C>T on the plus strand (G>A on the coding strand, the complement: MUTYH is on the minus strand). VCF-style: chr1-45334400-C-T. GRCh37 (hg19) VCF-style: chr1-45800072-C-T.
Other names: c.106G>A, p.Ala36Thr (NM_001048171.2, NM_001048172.2, NM_001048173.2 and 2 more transcripts); c.148G>A, p.Ala50Thr (NM_001128425.2, NM_001293190.2, NM_012222.3); c.-107G>A (NM_001293192.2, NM_001293196.2); c.-166G>A (NM_001350650.2); c.-102G>A (NM_001350651.2); short protein forms A50T, A36T.
Identifiers: ClinVar variation 233557 (VCV000233557.14), dbSNP rs876660488, ClinGen allele CA10577748.
Genomic context (GRCh38, chr1:45,334,400, plus strand): 5'-GAATCTGCCTTTCATGGCCAATGAGCCTTGGGCCACAACCTAGTTCCTTACCATCACAGG[C>T]AGAAGGCTTGGCCTGACTGTTGTTCTTAGCATGCTTCTGCCTCCCTTCCTGGCTGGCTGC-3'
Protein context (NP_001041639.1, residues 26-46): AKNNSQAKPS[Ala36Thr]CDGLARQPEE